The following is an entry in ClinVar:

NM_000057.4(BLM):c.3509A>T (p.Tyr1170Phe)

Gene: BLM (BLM RecQ like helicase; plus strand). Cytogenetic location: 15q26.1.
Variant type: single nucleotide variant.
Coding change: c.3509A>T on transcript NM_000057.4 (MANE Select); coding-DNA position 3509, A replaced by T.
Protein change: p.Tyr1170Phe; replaces tyrosine 1170 with phenylalanine.
Molecular consequence: missense variant. On other transcripts: intron variant (1).
Genome position (GRCh38, 1-based): chr15:90,803,671, A>T. VCF-style: chr15-90803671-A-T. GRCh37 (hg19) VCF-style: chr15-91346901-A-T.
Other names: c.3509A>T, p.Tyr1170Phe (NM_001287246.2); c.2384A>T, p.Tyr795Phe (NM_001287248.2); c.3358+5334A>T (NM_001287247.2); short protein forms Y1170F, Y795F.
Identifiers: ClinVar variation 1422079 (VCV001422079.10), dbSNP rs746692894, ClinGen allele CA7739048.

ClinVar aggregate classification (germline): Uncertain significance. Review status: criteria provided, multiple submitters, no conflicts (2 of 4 stars). 2 submissions from 2 submitters: Uncertain significance (2). Last evaluated 2025-07-05.

Conditions:
Hereditary cancer-predisposing syndrome. Also called: Neoplastic Syndromes, Hereditary; Hereditary Cancer Syndrome; Hereditary neoplastic syndrome; Tumor predisposition. Identifiers: Orphanet 140162, MedGen C0027672, MeSH D009386, MONDO:0015356.
Bloom syndrome (BLM). Also called: Bloom-Torre-Machacek syndrome. Identifiers: Orphanet 125, MedGen C0005859, MONDO:0008876, OMIM 210900.

Allele frequency attached by ClinVar (database versions not stated): ExAC 0.00001.
gnomAD v4.1: 1 of 1,614,208 alleles (0.000062%); highest among the groups gnomAD compares: African/African-American, 0.0013%; no homozygotes.

Submissions (2):

Ambry Genetics
Classification: Uncertain significance for Hereditary cancer-predisposing syndrome. Last evaluated: 2025-07-05. Review status: criteria provided, single submitter. Criteria: Ambry Variant Classification Scheme 2023. Collection method: clinical testing. Allele origin: germline.
Comment: The p.Y1170F variant (also known as c.3509A>T), located in coding exon 17 of the BLM gene, results from an A to T substitution at nucleotide position 3509. The tyrosine at codon 1170 is replaced by phenylalanine, an amino acid with highly similar properties. This amino acid position is conserved. In addition, this alteration is predicted to be tolerated by in silico analysis. Since supporting evidence is limited at this time, the clinical significance of this alteration remains unclear.

Labcorp Genetics (formerly Invitae), Labcorp
Classification: Uncertain significance for Bloom syndrome. Last evaluated: 2024-07-18. Review status: criteria provided, single submitter. Criteria: Invitae Variant Classification Sherloc (09022015). Collection method: clinical testing. Allele origin: germline.
Comment: This sequence change replaces tyrosine, which is neutral and polar, with phenylalanine, which is neutral and non-polar, at codon 1170 of the BLM protein (p.Tyr1170Phe). This variant is present in population databases (rs746692894, gnomAD 0.007%). This variant has not been reported in the literature in individuals affected with BLM-related conditions. ClinVar contains an entry for this variant (Variation ID: 1422079). Advanced modeling of protein sequence and biophysical properties (such as structural, functional, and spatial information, amino acid conservation, physicochemical variation, residue mobility, and thermodynamic stability) has been performed at Invitae for this missense variant, however the output from this modeling did not meet the statistical confidence thresholds required to predict the impact of this variant on BLM protein function. In summary, the available evidence is currently insufficient to determine the role of this variant in disease. Therefore, it has been classified as a Variant of Uncertain Significance.